The following is an entry in ClinVar:

NM_002047.4(GARS1):c.2188G>C (p.Glu730Gln)

Gene: GARS1 (glycyl-tRNA synthetase 1; plus strand). Cytogenetic location: 7p14.3.
Variant type: single nucleotide variant.
Coding change: c.2188G>C on transcript NM_002047.4 (MANE Select); coding-DNA position 2188, G replaced by C.
Protein change: p.Glu730Gln; replaces glutamic acid 730 with glutamine.
Molecular consequence: missense variant.
Genome position (GRCh38, 1-based): chr7:30,633,828, G>C. VCF-style: chr7-30633828-G-C. GRCh37 (hg19) VCF-style: chr7-30673444-G-C.
Other names: c.2026G>C, p.Glu676Gln (NM_001316772.1); short protein forms E676Q, E730Q.
Identifiers: ClinVar variation 1680967 (VCV001680967.8), dbSNP rs1783283131, ClinGen allele CA367132191.

ClinVar aggregate classification (germline): Uncertain significance (1 of 4 stars; one submission).

Conditions:
Charcot-Marie-Tooth disease type 2. Also called: Charcot-Marie-Tooth type 2. Identifiers: Orphanet 64746, MedGen C0270914, MONDO:0018993.

Allele frequency attached by ClinVar (database versions not stated): gnomAD exomes 0.00001.
gnomAD v4.1: 8 of 1,591,018 alleles (0.0005%); highest among the groups gnomAD compares: African/African-American, 0.0014%; no homozygotes.

Submission:

Labcorp Genetics (formerly Invitae), Labcorp
Classification: Uncertain significance for Charcot-Marie-Tooth disease type 2. Last evaluated: 2021-07-22. Review status: criteria provided, single submitter. Criteria: Invitae Variant Classification Sherloc (09022015). Collection method: clinical testing. Allele origin: germline.
Comment: In summary, the available evidence is currently insufficient to determine the role of this variant in disease. Therefore, it has been classified as a Variant of Uncertain Significance. Algorithms developed to predict the effect of missense changes on protein structure and function (SIFT, PolyPhen-2, Align-GVGD) all suggest that this variant is likely to be tolerated. This variant has not been reported in the literature in individuals affected with GARS-related conditions. This variant is not present in population databases (ExAC no frequency). This sequence change replaces glutamic acid with glutamine at codon 730 of the GARS protein (p.Glu730Gln). The glutamic acid residue is moderately conserved and there is a small physicochemical difference between glutamic acid and glutamine.